The following is an entry in ClinVar:

ClinVar aggregate classification (germline): Uncertain significance (1 of 4 stars; one submission).

Conditions:
Epileptic encephalopathy. Identifiers: MedGen C0543888, HP:0200134.

Allele frequency attached by ClinVar (database versions not stated): TOPMed below 0.00001.

Submission:

Labcorp Genetics (formerly Invitae), Labcorp
Classification: Uncertain significance for Epileptic encephalopathy. Last evaluated: 2022-07-09. Review status: criteria provided, single submitter. Criteria: Invitae Variant Classification Sherloc (09022015). Collection method: clinical testing. Allele origin: germline.
Comment: This sequence change replaces threonine, which is neutral and polar, with alanine, which is neutral and non-polar, at codon 868 of the GABBR2 protein (p.Thr868Ala). In summary, the available evidence is currently insufficient to determine the role of this variant in disease. Therefore, it has been classified as a Variant of Uncertain Significance. Algorithms developed to predict the effect of missense changes on protein structure and function are either unavailable or do not agree on the potential impact of this missense change (SIFT: "Deleterious"; PolyPhen-2: "Benign"; Align-GVGD: "Class C0"). This variant has not been reported in the literature in individuals affected with GABBR2-related conditions. This variant is not present in population databases (gnomAD no frequency).

NM_005458.8(GABBR2):c.2602A>G (p.Thr868Ala)

Gene: GABBR2 (gamma-aminobutyric acid type B receptor subunit 2; minus strand). Cytogenetic location: 9q22.33.
Variant type: single nucleotide variant.
Coding change: c.2602A>G on transcript NM_005458.8 (MANE Select); coding-DNA position 2602, A replaced by G.
Protein change: p.Thr868Ala; replaces threonine 868 with alanine.
Molecular consequence: missense variant.
Genome position (GRCh38, 1-based): chr9:98,293,843, T>C on the plus strand (A>G on the coding strand, the complement: GABBR2 is on the minus strand). VCF-style: chr9-98293843-T-C. GRCh37 (hg19) VCF-style: chr9-101056125-T-C.
Other names: short protein forms T868A.
Identifiers: ClinVar variation 2015476 (VCV002015476.4), dbSNP rs1588084564, ClinGen allele CA374210094.